The following is an entry in ClinVar:

ClinVar aggregate classification (germline): Uncertain significance (1 of 4 stars; one submission).

Submission:

Labcorp Genetics (formerly Invitae), Labcorp
Classification: Uncertain significance. Last evaluated: 2025-05-19. Review status: criteria provided, single submitter. Criteria: Invitae Variant Classification Sherloc (09022015). Collection method: clinical testing. Allele origin: germline.
Comment: This sequence change replaces serine, which is neutral and polar, with cysteine, which is neutral and slightly polar, at codon 349 of the ATP6AP1 protein (p.Ser349Cys). This variant is not present in population databases (gnomAD no frequency). This variant has not been reported in the literature in individuals affected with ATP6AP1-related conditions. Invitae Evidence Modeling of protein sequence and biophysical properties (such as structural, functional, and spatial information, amino acid conservation, physicochemical variation, residue mobility, and thermodynamic stability) indicates that this missense variant is not expected to disrupt ATP6AP1 protein function with a negative predictive value of 80%. In summary, the available evidence is currently insufficient to determine the role of this variant in disease. Therefore, it has been classified as a Variant of Uncertain Significance.

NM_001183.6(ATP6AP1):c.1045A>T (p.Ser349Cys)

Gene: ATP6AP1 (ATPase H+ transporting accessory protein 1; plus strand). Cytogenetic location: Xq28.
Variant type: single nucleotide variant.
Coding change: c.1045A>T on transcript NM_001183.6 (MANE Select); coding-DNA position 1045, A replaced by T.
Protein change: p.Ser349Cys; replaces serine 349 with cysteine.
Molecular consequence: missense variant.
Genome position (GRCh38, 1-based): chrX:154,435,347, A>T. VCF-style: chrX-154435347-A-T. GRCh37 (hg19) VCF-style: chrX-153663693-A-T.
Other names: short protein forms S349C.
Identifiers: ClinVar variation 4743234 (VCV004743234.1).